The following is an entry in ClinVar:

NM_000138.5(FBN1):c.1936G>A (p.Gly646Ser)

Gene: FBN1 (fibrillin 1; minus strand). Cytogenetic location: 15q21.1.
Variant type: single nucleotide variant.
Coding change: c.1936G>A on transcript NM_000138.5 (MANE Select); coding-DNA position 1936, G replaced by A.
Protein change: p.Gly646Ser; replaces glycine 646 with serine.
Molecular consequence: missense variant.
Genome position (GRCh38, 1-based): chr15:48,505,049, C>T on the plus strand (G>A on the coding strand, the complement: FBN1 is on the minus strand). VCF-style: chr15-48505049-C-T. GRCh37 (hg19) VCF-style: chr15-48797246-C-T.
Other names: c.1936G>A, p.Gly646Ser (NM_001406716.1); short protein forms G646S.
Identifiers: ClinVar variation 3754087 (VCV003754087.2).

ClinVar aggregate classification (germline): Uncertain significance (1 of 4 stars; one submission).

Conditions:
Marfan syndrome (MFS). Also called: MARFAN SYNDROME, TYPE I; Marfan syndrome type 1; Marfan's syndrome; Marfan syndrome, classic; FBN1-Related Marfan Syndrome. Identifiers: Orphanet 284963, Orphanet 558, MedGen C0024796, MONDO:0007947, OMIM 154700.
Familial thoracic aortic aneurysm and aortic dissection (TAAD). Also called: Thoracic aortic aneurysms and dissections. Identifiers: Orphanet 91387, MedGen C4707243, MONDO:0019625.

Submission:

Labcorp Genetics (formerly Invitae), Labcorp
Classification: Uncertain significance for Marfan syndrome; Familial thoracic aortic aneurysm and aortic dissection. Last evaluated: 2024-12-23. Review status: criteria provided, single submitter. Criteria: Invitae Variant Classification Sherloc (09022015). Collection method: clinical testing. Allele origin: germline.
Comment: This sequence change replaces glycine, which is neutral and non-polar, with serine, which is neutral and polar, at codon 646 of the FBN1 protein (p.Gly646Ser). This variant is not present in population databases (gnomAD no frequency). This variant has not been reported in the literature in individuals affected with FBN1-related conditions. Invitae Evidence Modeling of protein sequence and biophysical properties (such as structural, functional, and spatial information, amino acid conservation, physicochemical variation, residue mobility, and thermodynamic stability) indicates that this missense variant is not expected to disrupt FBN1 protein function with a negative predictive value of 95%. In summary, the available evidence is currently insufficient to determine the role of this variant in disease. Therefore, it has been classified as a Variant of Uncertain Significance.